The following is an entry in ClinVar:

ClinVar aggregate classification (germline): Uncertain significance (1 of 4 stars; one submission).

Conditions:
Inborn genetic diseases. Identifiers: MedGen C0950123, MeSH D030342.

Submission:

Ambry Genetics
Classification: Uncertain significance for Inborn genetic diseases. Last evaluated: 2018-12-22. Review status: criteria provided, single submitter. Criteria: Ambry Variant Classification Scheme 2023. Collection method: clinical testing. Allele origin: germline.
Comment: The p.A825T variant (also known as c.2473G>A), located in coding exon 11 of the GRIN2A gene, results from a G to A substitution at nucleotide position 2473. The alanine at codon 825 is replaced by threonine, an amino acid with similar properties. This amino acid position is well conserved in available vertebrate species. In addition, this alteration is predicted to be tolerated by in silico analysis. Since supporting evidence is limited at this time, the clinical significance of this alteration remains unclear.

NM_001134407.3(GRIN2A):c.2473G>A (p.Ala825Thr)

Gene: GRIN2A (glutamate ionotropic receptor NMDA type subunit 2A; minus strand). Cytogenetic location: 16p13.2.
Variant type: single nucleotide variant.
Coding change: c.2473G>A on transcript NM_001134407.3 (MANE Select); coding-DNA position 2473, G replaced by A.
Protein change: p.Ala825Thr; replaces alanine 825 with threonine.
Molecular consequence: missense variant.
Genome position (GRCh38, 1-based): chr16:9,768,973, C>T on the plus strand (G>A on the coding strand, the complement: GRIN2A is on the minus strand). VCF-style: chr16-9768973-C-T. GRCh37 (hg19) VCF-style: chr16-9862830-C-T.
Other names: c.2473G>A, p.Ala825Thr (NM_000833.5, NM_001134408.2); short protein forms A825T.
Identifiers: ClinVar variation 1791812 (VCV001791812.2), dbSNP rs2141150621, ClinGen allele CA394710060.